The following is an entry in ClinVar:

NM_145059.3(FCSK):c.683T>A (p.Phe228Tyr)

Gene: FCSK (fucose kinase; plus strand). Cytogenetic location: 16q22.1.
Variant type: single nucleotide variant.
Coding change: c.683T>A on transcript NM_145059.3 (MANE Select); coding-DNA position 683, T replaced by A.
Protein change: p.Phe228Tyr; replaces phenylalanine 228 with tyrosine.
Molecular consequence: missense variant.
Genome position (GRCh38, 1-based): chr16:70,468,868, T>A. VCF-style: chr16-70468868-T-A. GRCh37 (hg19) VCF-style: chr16-70502771-T-A.
Other names: c.683T>A (NM_145059.2); short protein forms F228Y.
Identifiers: ClinVar variation 1682356 (VCV001682356.34), dbSNP rs201690930, ClinGen allele CA8143050.
Genomic context (GRCh38, chr16:70,468,868, plus strand): 5'-CCAGGGCCCTCCATCTCTGATCCTTTTGGGGTCCCTTCCAGGTCTCTGGGGTTGTCTTCT[T>A]CTCTGTGGAGACTGCCGAGCGCCTCCTAGCCACCCACGTGAGCCCGCCCCTGGATGCCTG-3'
Protein context (NP_659496.2, residues 218-238): RVPLVSGVVF[Phe228Tyr]SVETAERLLA

ClinVar aggregate classification (germline): Benign/Likely benign. Review status: criteria provided, multiple submitters, no conflicts (2 of 4 stars). 4 submissions from 4 submitters: Benign (2); Likely benign (1). 1 of the submissions does not count toward it. Last evaluated 2026-08-01.

Conditions:
FCSK-related disorder. Also called: FCSK-related condition.

Allele frequency attached by ClinVar (database versions not stated): 1000 Genomes Project 30x 0.00047; 1000 Genomes Project 0.00060; TOPMed 0.00141; gnomAD exomes 0.00198 and 0.00268; ESP Exome Variant Server 0.00220; gnomAD 0.00227 and 0.00237; ExAC 0.00298.

Submissions (4):

CeGaT Center for Human Genetics Tuebingen
Classification: Likely benign. Last evaluated: 2026-08-01. Review status: criteria provided, single submitter. Criteria: CeGaT Center For Human Genetics Tuebingen Variant Classification Criteria Version 2. Collection method: clinical testing. Allele origin: germline. Affected: yes. Observed: 4 variant alleles.
Comment: FCSK: BS2

Labcorp Genetics (formerly Invitae), Labcorp
Classification: Benign. Last evaluated: 2026-02-01. Review status: criteria provided, single submitter. Criteria: Invitae Variant Classification Sherloc (09022015). Collection method: clinical testing. Allele origin: germline.

Breakthrough Genomics
Classification: Benign. Review status: criteria provided, single submitter. Criteria: ACMG Guidelines, 2015. Collection method: not provided. Allele origin: germline. Inheritance: Autosomal recessive inheritance. Affected: yes.

PreventionGenetics, part of Exact Sciences
Classification: Benign for FCSK-related condition. Last evaluated: 2019-07-12. Review status: no assertion criteria provided. Collection method: clinical testing. Allele origin: germline. Not counted in ClinVar's aggregate classification.
Comment: This variant is classified as benign based on ACMG/AMP sequence variant interpretation guidelines (Richards et al. 2015 PMID: 25741868, with internal and published modifications).